The following is an entry in ClinVar:

ClinVar aggregate classification (germline): Conflicting classifications of pathogenicity. Review status: criteria provided, conflicting classifications (1 of 4 stars). 3 submissions from 3 submitters: Uncertain significance (1); Likely benign (1). 1 of the submissions does not count toward it. Last evaluated 2025-08-18.

Conditions:
Hyperlipidemia due to hepatic triglyceride lipase deficiency. Also called: LIPC DEFICIENCY. Identifiers: Orphanet 140905, MedGen C3151466, MONDO:0013533, OMIM 614025.
LIPC-related disorder. Also called: LIPC-related condition.

Allele frequency attached by ClinVar (database versions not stated): ExAC 0.00001; gnomAD exomes 0.00002 and below 0.00001; gnomAD 0.00003 and 0.00004; TOPMed 0.00003.
gnomAD v4.1: 33 of 1,614,026 alleles (0.002%); highest among the groups gnomAD compares: Non-Finnish European, 0.0028%; no homozygotes.

Submissions (3):

Labcorp Genetics (formerly Invitae), Labcorp
Classification: Likely benign. Last evaluated: 2025-08-18. Review status: criteria provided, single submitter. Criteria: Invitae Variant Classification Sherloc (09022015). Collection method: clinical testing. Allele origin: germline.

Illumina Laboratory Services, Illumina
Classification: Uncertain significance for Hyperlipidemia due to hepatic triglyceride lipase deficiency. Last evaluated: 2018-01-12. Review status: criteria provided, single submitter. Criteria: ICSL Variant Classification Criteria 13 December 2019. Collection method: clinical testing. Allele origin: germline.

PreventionGenetics, part of Exact Sciences
Classification: Likely benign for LIPC-related condition. Last evaluated: 2021-05-07. Review status: no assertion criteria provided. Collection method: clinical testing. Allele origin: germline. Not counted in ClinVar's aggregate classification.
Comment: This variant is classified as likely benign based on ACMG/AMP sequence variant interpretation guidelines (Richards et al. 2015 PMID: 25741868, with internal and published modifications).

NM_000236.3(LIPC):c.1203C>T (p.Ser401=)

Gene: LIPC (lipase C, hepatic type; plus strand). Cytogenetic location: 15q21.3.
Variant type: single nucleotide variant.
Coding change: c.1203C>T on transcript NM_000236.3 (MANE Select); coding-DNA position 1203, C replaced by T.
Protein change: p.Ser401=; no amino-acid change (serine 401 retained).
Molecular consequence: synonymous variant.
Genome position (GRCh38, 1-based): chr15:58,563,538, C>T. VCF-style: chr15-58563538-C-T. GRCh37 (hg19) VCF-style: chr15-58855737-C-T.
Identifiers: ClinVar variation 316676 (VCV000316676.9), dbSNP rs768982423, ClinGen allele CA7585161.